The following is an entry in ClinVar:

ClinVar aggregate classification (germline): Uncertain significance (1 of 4 stars; one submission).

Conditions:
Familial hypobetalipoproteinemia 1. Also called: APOB-Related Familial Hypobetalipoproteinemia; Hypobetalipoproteinemia, normotriglyceridemic; Acanthocytosis with hypobetalipoproteinemia. Identifiers: MedGen C4551990, MONDO:0014252, OMIM 615558.
Hypercholesterolemia, autosomal dominant, type B (FHCL2). Also called: APOB-Related Familial Hypercholesterolemia, Autosomal Dominant; Familial hypercholesterolemia 2; Familial Hypercholesterolemia Type B; APOLIPOPROTEIN B-100, FAMILIAL DEFECTIVE; APOLIPOPROTEIN B-100, FAMILIAL LIGAND-DEFECTIVE; HYPERCHOLESTEROLEMIA, FAMILIAL, DUE TO LIGAND-DEFECTIVE APOLIPOPROTEIN B. Identifiers: MedGen C1704417, MONDO:0007751, OMIM 144010.

gnomAD v4.1: 1 of 1,614,226 alleles (0.000062%); highest among the groups gnomAD compares: Non-Finnish European, 0.000085%; no homozygotes.

Submission:

Labcorp Genetics (formerly Invitae), Labcorp
Classification: Uncertain significance for Familial hypobetalipoproteinemia 1; Hypercholesterolemia, autosomal dominant, type B. Last evaluated: 2025-12-22. Review status: criteria provided, single submitter. Criteria: Invitae Variant Classification Sherloc (09022015). Collection method: clinical testing. Allele origin: germline.
Comment: This sequence change replaces glutamine, which is neutral and polar, with arginine, which is basic and polar, at codon 845 of the APOB protein (p.Gln845Arg). This variant is not present in population databases (gnomAD no frequency). This variant has not been reported in the literature in individuals affected with APOB-related conditions. Invitae Evidence Modeling of protein sequence and biophysical properties (such as structural, functional, and spatial information, amino acid conservation, physicochemical variation, residue mobility, and thermodynamic stability) indicates that this missense variant is not expected to disrupt APOB protein function with a negative predictive value of 95%. In summary, the available evidence is currently insufficient to determine the role of this variant in disease. Therefore, it has been classified as a Variant of Uncertain Significance.

NM_000384.3(APOB):c.2534A>G (p.Gln845Arg)

Gene: APOB (apolipoprotein B; minus strand). Cytogenetic location: 2p24.1.
Variant type: single nucleotide variant.
Coding change: c.2534A>G on transcript NM_000384.3 (MANE Select); coding-DNA position 2534, A replaced by G.
Protein change: p.Gln845Arg; replaces glutamine 845 with arginine.
Molecular consequence: missense variant.
Genome position (GRCh38, 1-based): chr2:21,023,595, T>C on the plus strand (A>G on the coding strand, the complement: APOB is on the minus strand). VCF-style: chr2-21023595-T-C. GRCh37 (hg19) VCF-style: chr2-21246467-T-C.
Other names: short protein forms Q845R.
Identifiers: ClinVar variation 4789296 (VCV004789296.1).